The following is an entry in ClinVar:

NM_004999.4(MYO6):c.3524_3525delinsCT (p.Phe1175Ser)

Gene: MYO6 (myosin VI; plus strand). Cytogenetic location: 6q14.1.
Variant type: Indel.
Coding change: c.3524_3525delinsCT on transcript NM_004999.4 (MANE Select); coding-DNA positions 3524 to 3525, TC replaced by CT.
Protein change: p.Phe1175Ser; replaces phenylalanine 1175 with serine.
Molecular consequence: missense variant. On other transcripts: non-coding transcript variant (1).
Genome position (GRCh38, 1-based): chr6:75,914,147-75,914,148, TC replaced by CT. VCF-style: chr6-75914147-TC-CT. GRCh37 (hg19) VCF-style: chr6-76623864-TC-CT.
Other names: c.3455_3456delinsCT, p.Phe1152Ser (NM_001300899.2); c.3428_3429delinsCT, p.Phe1143Ser (NM_001368136.1); c.3485_3486delinsCT, p.Phe1162Ser (NM_001368137.1); c.3440_3441delinsCT, p.Phe1147Ser (NM_001368138.1); c.3551_3552delinsCT, p.Phe1184Ser (NM_001368865.1); c.3524_3525delinsCT, p.Phe1175Ser (NM_001368866.1); short protein forms F1143S, F1147S, F1152S, F1162S, F1175S, F1184S.
Identifiers: ClinVar variation 3372343 (VCV003372343.1).

ClinVar aggregate classification (germline): Uncertain significance (1 of 4 stars; one submission).

Submission:

GeneDx
Classification: Uncertain significance. Last evaluated: 2024-04-09. Review status: criteria provided, single submitter. Criteria: GeneDx Variant Classification Process June 2021. Collection method: clinical testing. Allele origin: germline. Affected: yes.
Comment: Not observed at significant frequency in large population cohorts (gnomAD); In silico analysis supports a deleterious effect on protein structure/function; Has not been previously published as pathogenic or benign to our knowledge